The following continues an entry in ClinVar:

NM_000183.3(HADHB):c.1149+4A>T

Gene: HADHB. ClinVar aggregate classification (germline): Benign/Likely benign. Benign (6); Likely benign (1).

Submissions 66 to 101 of 125:

Dr. Peter K. Rogan Lab, Western University
No classification provided (evidence only). Condition: Uterine carcinosarcoma. Review status: no classification provided. Collection method: in vitro. Allele origin: not applicable. Functional consequence: retained intron. Not counted in ClinVar's aggregate classification.

Dr. Peter K. Rogan Lab, Western University
No classification provided (evidence only). Condition: Uterine carcinosarcoma. Review status: no classification provided. Collection method: in vitro. Allele origin: not applicable. Functional consequence: skipped exon. Not counted in ClinVar's aggregate classification.

Dr. Peter K. Rogan Lab, Western University
No classification provided (evidence only). Condition: Uterine carcinosarcoma. Review status: no classification provided. Collection method: in vitro. Allele origin: not applicable. Functional consequence: skipped exon. Not counted in ClinVar's aggregate classification.

Dr. Peter K. Rogan Lab, Western University
No classification provided (evidence only). Condition: Uterine carcinosarcoma. Review status: no classification provided. Collection method: in vitro. Allele origin: not applicable. Functional consequence: skipped exon. Not counted in ClinVar's aggregate classification.

Dr. Peter K. Rogan Lab, Western University
No classification provided (evidence only). Condition: Uterine carcinosarcoma. Review status: no classification provided. Collection method: in vitro. Allele origin: not applicable. Functional consequence: skipped exon. Not counted in ClinVar's aggregate classification.

Dr. Peter K. Rogan Lab, Western University
No classification provided (evidence only). Condition: Uterine carcinosarcoma. Review status: no classification provided. Collection method: in vitro. Allele origin: not applicable. Functional consequence: skipped exon. Not counted in ClinVar's aggregate classification.

Dr. Peter K. Rogan Lab, Western University
No classification provided (evidence only). Condition: Uterine carcinosarcoma. Review status: no classification provided. Collection method: in vitro. Allele origin: not applicable. Functional consequence: skipped exon. Not counted in ClinVar's aggregate classification.

Dr. Peter K. Rogan Lab, Western University
No classification provided (evidence only). Condition: Uterine carcinosarcoma. Review status: no classification provided. Collection method: in vitro. Allele origin: not applicable. Functional consequence: skipped exon. Not counted in ClinVar's aggregate classification.

Dr. Peter K. Rogan Lab, Western University
No classification provided (evidence only). Condition: Uveal melanoma. Review status: no classification provided. Collection method: in vitro. Allele origin: not applicable. Functional consequence: retained intron. Not counted in ClinVar's aggregate classification.

Dr. Peter K. Rogan Lab, Western University
No classification provided (evidence only). Condition: Uveal melanoma. Review status: no classification provided. Collection method: in vitro. Allele origin: not applicable. Functional consequence: skipped exon. Not counted in ClinVar's aggregate classification.

Dr. Peter K. Rogan Lab, Western University
No classification provided (evidence only). Condition: Uveal melanoma. Review status: no classification provided. Collection method: in vitro. Allele origin: not applicable. Functional consequence: skipped exon, retained intron. Not counted in ClinVar's aggregate classification.

Dr. Peter K. Rogan Lab, Western University
No classification provided (evidence only). Condition: Uveal melanoma. Review status: no classification provided. Collection method: in vitro. Allele origin: not applicable. Functional consequence: skipped exon. Not counted in ClinVar's aggregate classification.

Dr. Peter K. Rogan Lab, Western University
No classification provided (evidence only). Condition: Uveal melanoma. Review status: no classification provided. Collection method: in vitro. Allele origin: not applicable. Functional consequence: skipped exon. Not counted in ClinVar's aggregate classification.

Dr. Peter K. Rogan Lab, Western University
No classification provided (evidence only). Condition: Uveal melanoma. Review status: no classification provided. Collection method: in vitro. Allele origin: not applicable. Functional consequence: skipped exon. Not counted in ClinVar's aggregate classification.

Dr. Peter K. Rogan Lab, Western University
No classification provided (evidence only). Condition: Uveal melanoma. Review status: no classification provided. Collection method: in vitro. Allele origin: not applicable. Functional consequence: skipped exon. Not counted in ClinVar's aggregate classification.

Dr. Peter K. Rogan Lab, Western University
No classification provided (evidence only). Condition: Uveal melanoma. Review status: no classification provided. Collection method: in vitro. Allele origin: not applicable. Functional consequence: skipped exon. Not counted in ClinVar's aggregate classification.

Dr. Peter K. Rogan Lab, Western University
No classification provided (evidence only). Condition: Uveal melanoma. Review status: no classification provided. Collection method: in vitro. Allele origin: not applicable. Functional consequence: skipped exon. Not counted in ClinVar's aggregate classification.

Dr. Peter K. Rogan Lab, Western University
No classification provided (evidence only). Condition: Uveal melanoma. Review status: no classification provided. Collection method: in vitro. Allele origin: not applicable. Functional consequence: skipped exon. Not counted in ClinVar's aggregate classification.

Dr. Peter K. Rogan Lab, Western University
No classification provided (evidence only). Condition: Chronic lymphocytic leukemia/small lymphocytic lymphoma. Review status: no classification provided. Collection method: in vitro. Allele origin: not applicable. Functional consequence: skipped exon, retained intron. Not counted in ClinVar's aggregate classification.

Dr. Peter K. Rogan Lab, Western University
No classification provided (evidence only). Condition: Chronic lymphocytic leukemia/small lymphocytic lymphoma. Review status: no classification provided. Collection method: in vitro. Allele origin: not applicable. Functional consequence: retained intron. Not counted in ClinVar's aggregate classification.

Dr. Peter K. Rogan Lab, Western University
No classification provided (evidence only). Condition: Chronic lymphocytic leukemia/small lymphocytic lymphoma. Review status: no classification provided. Collection method: in vitro. Allele origin: not applicable. Functional consequence: retained intron. Not counted in ClinVar's aggregate classification.

Dr. Peter K. Rogan Lab, Western University
No classification provided (evidence only). Condition: Chronic lymphocytic leukemia/small lymphocytic lymphoma. Review status: no classification provided. Collection method: in vitro. Allele origin: not applicable. Functional consequence: retained intron. Not counted in ClinVar's aggregate classification.

Dr. Peter K. Rogan Lab, Western University
No classification provided (evidence only). Condition: Chronic lymphocytic leukemia/small lymphocytic lymphoma. Review status: no classification provided. Collection method: in vitro. Allele origin: not applicable. Functional consequence: skipped exon, retained intron. Not counted in ClinVar's aggregate classification.

Dr. Peter K. Rogan Lab, Western University
No classification provided (evidence only). Condition: Chronic lymphocytic leukemia/small lymphocytic lymphoma. Review status: no classification provided. Collection method: in vitro. Allele origin: not applicable. Functional consequence: retained intron. Not counted in ClinVar's aggregate classification.

Dr. Peter K. Rogan Lab, Western University
No classification provided (evidence only). Condition: Chronic lymphocytic leukemia/small lymphocytic lymphoma. Review status: no classification provided. Collection method: in vitro. Allele origin: not applicable. Functional consequence: retained intron. Not counted in ClinVar's aggregate classification.

Dr. Peter K. Rogan Lab, Western University
No classification provided (evidence only). Condition: Nonpapillary renal cell carcinoma. Review status: no classification provided. Collection method: in vitro. Allele origin: not applicable. Functional consequence: skipped exon. Not counted in ClinVar's aggregate classification.

Dr. Peter K. Rogan Lab, Western University
No classification provided (evidence only). Condition: Nonpapillary renal cell carcinoma. Review status: no classification provided. Collection method: in vitro. Allele origin: not applicable. Functional consequence: skipped exon. Not counted in ClinVar's aggregate classification.

Dr. Peter K. Rogan Lab, Western University
No classification provided (evidence only). Condition: Nonpapillary renal cell carcinoma. Review status: no classification provided. Collection method: in vitro. Allele origin: not applicable. Functional consequence: skipped exon. Not counted in ClinVar's aggregate classification.

Dr. Peter K. Rogan Lab, Western University
No classification provided (evidence only). Condition: Nonpapillary renal cell carcinoma. Review status: no classification provided. Collection method: in vitro. Allele origin: not applicable. Functional consequence: skipped exon. Not counted in ClinVar's aggregate classification.

Dr. Peter K. Rogan Lab, Western University
No classification provided (evidence only). Condition: Nonpapillary renal cell carcinoma. Review status: no classification provided. Collection method: in vitro. Allele origin: not applicable. Functional consequence: skipped exon, retained intron. Not counted in ClinVar's aggregate classification.

Dr. Peter K. Rogan Lab, Western University
No classification provided (evidence only). Condition: Nonpapillary renal cell carcinoma. Review status: no classification provided. Collection method: in vitro. Allele origin: not applicable. Functional consequence: skipped exon. Not counted in ClinVar's aggregate classification.

Dr. Peter K. Rogan Lab, Western University
No classification provided (evidence only). Condition: Nonpapillary renal cell carcinoma. Review status: no classification provided. Collection method: in vitro. Allele origin: not applicable. Functional consequence: skipped exon. Not counted in ClinVar's aggregate classification.

Dr. Peter K. Rogan Lab, Western University
No classification provided (evidence only). Condition: Familial pancreatic carcinoma. Review status: no classification provided. Collection method: in vitro. Allele origin: not applicable. Functional consequence: retained intron. Not counted in ClinVar's aggregate classification.

Dr. Peter K. Rogan Lab, Western University
No classification provided (evidence only). Condition: Familial pancreatic carcinoma. Review status: no classification provided. Collection method: in vitro. Allele origin: not applicable. Functional consequence: skipped exon, retained intron. Not counted in ClinVar's aggregate classification.

Dr. Peter K. Rogan Lab, Western University
No classification provided (evidence only). Condition: Familial pancreatic carcinoma. Review status: no classification provided. Collection method: in vitro. Allele origin: not applicable. Functional consequence: retained intron. Not counted in ClinVar's aggregate classification.

Dr. Peter K. Rogan Lab, Western University
No classification provided (evidence only). Condition: Familial pancreatic carcinoma. Review status: no classification provided. Collection method: in vitro. Allele origin: not applicable. Functional consequence: skipped exon, retained intron. Not counted in ClinVar's aggregate classification.